The following is an entry in ClinVar:

ClinVar aggregate classification (germline): Uncertain significance (1 of 4 stars; one submission).

Conditions:
Hereditary cancer-predisposing syndrome. Also called: Tumor predisposition; Hereditary Cancer Syndrome; Neoplastic Syndromes, Hereditary; Hereditary neoplastic syndrome. Identifiers: Orphanet 140162, MedGen C0027672, MeSH D009386, MONDO:0015356.

Submission:

Ambry Genetics
Classification: Uncertain significance for Hereditary cancer-predisposing syndrome. Last evaluated: 2018-04-24. Review status: criteria provided, single submitter. Criteria: Ambry Variant Classification Scheme 2023. Collection method: clinical testing. Allele origin: germline.
Comment: The p.E3071Q variant (also known as c.9211G>C), located in coding exon 23 of the BRCA2 gene, results from a G to C substitution at nucleotide position 9211. The glutamic acid at codon 3071 is replaced by glutamine, an amino acid with highly similar properties. This amino acid position is highly conserved in available vertebrate species. In addition, this alteration is predicted to be deleterious by in silico analysis. Since supporting evidence is limited at this time, the clinical significance of this alteration remains unclear.

NM_000059.4(BRCA2):c.9211G>C (p.Glu3071Gln)

Gene: BRCA2 (BRCA2 DNA repair associated; plus strand). Cytogenetic location: 13q13.1.
Variant type: single nucleotide variant.
Coding change: c.9211G>C on transcript NM_000059.4 (MANE Select); coding-DNA position 9211, G replaced by C.
Protein change: p.Glu3071Gln; replaces glutamic acid 3071 with glutamine.
Molecular consequence: missense variant.
Genome position (GRCh38, 1-based): chr13:32,380,100, G>C. VCF-style: chr13-32380100-G-C. GRCh37 (hg19) VCF-style: chr13-32954237-G-C.
Other names: short protein forms E3071Q.
Identifiers: ClinVar variation 823093 (VCV000823093.4), dbSNP rs1593938141, ClinGen allele CA387758349.
Genomic context (GRCh38, chr13:32,380,100, plus strand): 5'-CCACGGGAGCCCCTTCACTTCAGCAAATTTTTAGATCCAGACTTTCAGCCATCTTGTTCT[G>C]AGGTGGACCTAATAGGATTTGTCGTTTCTGTTGTGAAAAAAACAGGTAATGCACAATATA-3'
Protein context (NP_000050.3, residues 3061-3081): LDPDFQPSCS[Glu3071Gln]VDLIGFVVSV